The following is an entry in ClinVar:

ClinVar aggregate classification (germline): Conflicting classifications of pathogenicity. Review status: criteria provided, conflicting classifications (1 of 4 stars). 3 submissions from 3 submitters: Likely pathogenic (1); Uncertain significance (1). 1 of the submissions does not count toward it. Last evaluated 2025-12-28.

Conditions:
Mucopolysaccharidosis, MPS-III-B (MPS3B). Also called: MPS IIIB (Sanfilippo Syndrome Type B); MUCOPOLYSACCHARIDOSIS, TYPE IIIB; Mucopolysaccharidosis type IIIB (Sanfilippo B); N-ACETYL-ALPHA-D-GLUCOSAMINIDASE DEFICIENCY; NAGLU DEFICIENCY; SANFILIPPO SYNDROME B. Identifiers: Orphanet 79270, MedGen C0086648, MONDO:0009656, OMIM 252920.
Charcot-Marie-Tooth disease axonal type 2V. Also called: CHARCOT-MARIE-TOOTH NEUROPATHY, TYPE 2V; CHARCOT-MARIE-TOOTH DISEASE, AXONAL, AUTOSOMAL DOMINANT, TYPE 2V. Identifiers: Orphanet 447964, MedGen C5569050, MONDO:0014665, OMIM 616491.
Intellectual disability. Also called: intellectual disabilities; Intellectual developmental disorder; Intellectual functioning disability. Identifiers: MedGen C3714756, MeSH D008607, MONDO:0001071, HP:0001249.

Allele frequency attached by ClinVar (database versions not stated): gnomAD 0.00001; gnomAD exomes 0.00012; TOPMed 0.00003; ExAC 0.00010.

Submissions (3):

Labcorp Genetics (formerly Invitae), Labcorp
Classification: Likely pathogenic for Charcot-Marie-Tooth disease axonal type 2V; Mucopolysaccharidosis, MPS-III-B. Last evaluated: 2025-12-28. Review status: criteria provided, single submitter. Criteria: Invitae Variant Classification Sherloc (09022015). Collection method: clinical testing. Allele origin: germline.
Comment: This sequence change replaces arginine, which is basic and polar, with cysteine, which is neutral and slightly polar, at codon 615 of the NAGLU protein (p.Arg615Cys). This variant is present in population databases (rs199729746, gnomAD 0.1%). This missense change has been observed in individual(s) with clinical features of mucopolysaccharidosis type IIIB (PMID: 29606097). In at least one individual the data is consistent with being in trans (on the opposite chromosome) from a pathogenic variant. ClinVar contains an entry for this variant (Variation ID: 975752). Invitae Evidence Modeling of protein sequence and biophysical properties (such as structural, functional, and spatial information, amino acid conservation, physicochemical variation, residue mobility, and thermodynamic stability) has been performed for this missense variant. However, the output from this modeling did not meet the statistical confidence thresholds required to predict the impact of this variant on NAGLU protein function. In summary, the currently available evidence indicates that the variant is pathogenic, but additional data are needed to prove that conclusively. Therefore, this variant has been classified as Likely Pathogenic.

Fulgent Genetics
Classification: Uncertain significance for Mucopolysaccharidosis, MPS-III-B; Charcot-Marie-Tooth disease axonal type 2V. Last evaluated: 2021-08-26. Review status: criteria provided, single submitter. Criteria: ACMG Guidelines, 2015. Collection method: clinical testing. Allele origin: unknown.

Centre de Biologie Pathologie Génétique, Centre Hospitalier Universitaire de Lille
Classification: Likely benign for Intellectual disability. Last evaluated: 2019-01-01. Review status: no assertion criteria provided. Collection method: clinical testing. Allele origin: inherited. Affected: yes. Not counted in ClinVar's aggregate classification.

Literature cited by the submitters: PubMed 29606097 (cited by Labcorp Genetics (formerly Invitae), Labcorp).

NM_000263.4(NAGLU):c.1843C>T (p.Arg615Cys)

Gene: NAGLU (N-acetyl-alpha-glucosaminidase; plus strand). Cytogenetic location: 17q21.2.
Variant type: single nucleotide variant.
Coding change: c.1843C>T on transcript NM_000263.4 (MANE Select); coding-DNA position 1843, C replaced by T.
Protein change: p.Arg615Cys; replaces arginine 615 with cysteine.
Molecular consequence: missense variant.
Genome position (GRCh38, 1-based): chr17:42,543,849, C>T. VCF-style: chr17-42543849-C-T. GRCh37 (hg19) VCF-style: chr17-40695867-C-T.
Other names: short protein forms R615C.
Identifiers: ClinVar variation 975752 (VCV000975752.7), dbSNP rs199729746, ClinGen allele CA8577106.
Genomic context (GRCh38, chr17:42,543,849, plus strand): 5'-GGAGGCGTCCTGGCCTATGAGCTGCTGCCGGCACTGGACGAGGTGCTGGCTAGTGACAGC[C>T]GCTTCTTGCTGGGCAGCTGGCTAGAGCAGGCCCGAGCAGCGGCAGTCAGTGAGGCCGAGG-3'
Protein context (NP_000254.2, residues 605-625): ALDEVLASDS[Arg615Cys]FLLGSWLEQA